The following is an entry in ClinVar:

ClinVar aggregate classification (germline): Conflicting classifications of pathogenicity. Review status: criteria provided, conflicting classifications (1 of 4 stars). 9 submissions from 9 submitters: Uncertain significance (8); Likely benign (1). Last evaluated 2025-11-26.

Conditions:
Lynch syndrome. Identifiers: Orphanet 144, MedGen C4552100, MONDO:0005835. Disease mechanism: loss of function.
Hereditary nonpolyposis colorectal neoplasms. Identifiers: MedGen C0009405, MeSH D003123.
Hereditary cancer-predisposing syndrome. Also called: Tumor predisposition; Hereditary Cancer Syndrome; Hereditary neoplastic syndrome; Neoplastic Syndromes, Hereditary. Identifiers: Orphanet 140162, MedGen C0027672, MeSH D009386, MONDO:0015356.
Endometrial carcinoma. Also called: Endometrial carcinoma, somatic. Identifiers: MedGen C0476089, MONDO:0002447, OMIM 608089, HP:0012114.

Allele frequency attached by ClinVar (database versions not stated): gnomAD exomes below 0.00001 and 0.00001.

Submissions (9):

Labcorp Genetics (formerly Invitae), Labcorp
Classification: Likely benign for Hereditary nonpolyposis colorectal neoplasms. Last evaluated: 2025-11-26. Review status: criteria provided, single submitter. Criteria: Invitae Variant Classification Sherloc (09022015). Collection method: clinical testing. Allele origin: germline.

Color Diagnostics, LLC DBA Color Health
Classification: Uncertain significance for Hereditary cancer-predisposing syndrome. Last evaluated: 2025-09-29. Review status: criteria provided, single submitter. Criteria: ACMG Guidelines, 2015. Collection method: clinical testing. Allele origin: germline.
Comment: This missense variant replaces cysteine with tyrosine at codon 88 of the MSH6 protein. Computational prediction suggests that this variant may not impact protein structure and function. To our knowledge, functional studies have not been reported for this variant. This variant has been reported in individuals affected with early onset colorectal cancer and breast and/ovarian cancer in the literature (PMID: 31360874, 32068069). This variant has been identified in 5/1461856 chromosomes in the general population by the Genome Aggregation Database (gnomAD). The available evidence is insufficient to determine the role of this variant in disease conclusively. Therefore, this variant is classified as a Variant of Uncertain Significance.

Women's Health and Genetics/Laboratory Corporation of America, LabCorp
Classification: Uncertain significance. Last evaluated: 2025-04-04. Review status: criteria provided, single submitter. Criteria: LabCorp Variant Classification Summary - May 2015. Collection method: clinical testing. Allele origin: germline.
Comment: Variant summary: MSH6 c.263G>A (p.Cys88Tyr) results in a non-conservative amino acid change in the encoded protein sequence. Four of five in-silico tools predict a damaging effect of the variant on protein function. Consensus agreement among computation tools predict no significant impact on normal splicing. However, these predictions have yet to be confirmed by functional studies. The variant allele was found at a frequency of 8e-06 in 251470 control chromosomes. The available data on variant occurrences in the general population are insufficient to allow any conclusion about variant significance. c.263G>A has been reported in the literature in an individual affected with colorectal cancer (Toh_2018) and in patients affected with breast and/or ovarian cancer (Wang_2019, Kwong_2000). In a recent large study evaluating breast cancer cases and controls in the Breast Cancer Association Consortium (BCAC), the variant was reported in 4/60466 cases, but was also found in 4/53461 controls (Dorling_2021, reported through LOVD). These report(s) do not provide unequivocal conclusions about association of the variant with Hereditary Nonpolyposis Colorectal Cancer. Co-occurrences with another pathogenic variant has been reported (MLH1 c.1783_1784delAG, p.Ser595TrpfsX14 in an internal LCA sample), providing supporting evidence for a benign role. To our knowledge, no experimental evidence demonstrating an impact on protein function has been reported. The following publications have been ascertained in the context of this evaluation (PMID: 32068069, 31360874, 30982232, 33471991). ClinVar contains an entry for this variant (Variation ID: 410457). Based on the evidence outlined above, the variant was classified as uncertain significance.

Ambry Genetics
Classification: Uncertain significance for Hereditary cancer-predisposing syndrome. Last evaluated: 2024-09-16. Review status: criteria provided, single submitter. Criteria: Ambry Variant Classification Scheme 2023. Collection method: clinical testing. Allele origin: germline.
Comment: The p.C88Y variant (also known as c.263G>A), located in coding exon 2 of the MSH6 gene, results from a G to A substitution at nucleotide position 263. The cysteine at codon 88 is replaced by tyrosine, an amino acid with highly dissimilar properties. This amino acid position is well conserved in available vertebrate species. In addition, this alteration is predicted to be tolerated by in silico analysis. Based on the available evidence, the clinical significance of this variant remains unclear.

GeneDx
Classification: Uncertain significance. Last evaluated: 2024-01-17. Review status: criteria provided, single submitter. Criteria: GeneDx Variant Classification Process June 2021. Collection method: clinical testing. Allele origin: germline. Affected: yes.
Comment: Not observed at significant frequency in large population cohorts (gnomAD); In silico analysis supports that this missense variant does not alter protein structure/function; Observed in individuals with colorectal or breast cancer (PMID: 31360874, 30982232); This variant is associated with the following publications: (PMID: 31360874, 30982232, 32068069)

All of Us Research Program, National Institutes of Health
Classification: Uncertain significance for Lynch syndrome. Last evaluated: 2023-12-01. Review status: criteria provided, single submitter. Criteria: ACMG Guidelines, 2015. Collection method: clinical testing. Allele origin: germline. Inheritance: Autosomal dominant inheritance. Observed: 2 variant alleles, 2 heterozygotes.
Comment: This missense variant replaces cysteine with tyrosine at codon 88 of the MSH6 protein. Computational prediction suggests that this variant may not impact protein structure and function (internally defined REVEL score threshold <= 0.5, PMID: 27666373). Splice site prediction tools suggest that this variant may not impact RNA splicing. To our knowledge, functional studies have not been performed for this variant. This variant has not been reported in individuals affected with hereditary cancer in the literature. This variant has been identified in 2/251470 chromosomes in the general population by the Genome Aggregation Database (gnomAD) and in 4/13855 Chinese population samples (PMID 34172528). The available evidence is insufficient to determine the role of this variant in disease conclusively. Therefore, this variant is classified as a Variant of Uncertain Significance.

This study involves interpretation of variants in research participants for the purpose of population health screening. Participant phenotype was not available at the time of variant classification. Additional details can be found in publication PMID: 35346344, PMCID: PMC8962531

Quest Diagnostics Nichols Institute San Juan Capistrano
Classification: Uncertain significance. Last evaluated: 2023-10-16. Review status: criteria provided, single submitter. Criteria: Quest Diagnostics criteria. Collection method: clinical testing. Allele origin: unknown.
Comment: The MSH6 c.263G>A (p.Cys88Tyr) variant has been reported in individuals with breast cancer (PMID: 32068069 (2020), 30982232 (2019)) and colorectal cancer (PMID: 31360874 (2018)). In a large-scale breast cancer association study, the variant was observed in individuals with breast cancer as well as in unaffected individuals (PMID: 33471991 (2021), see also LOVD). The frequency of this variant in the general population, 0.000008 (2/251470 chromosomes (Genome Aggregation Database)), is uninformative in the assessment of its pathogenicity. Analysis of this variant using bioinformatics tools for the prediction of the effect of amino acid changes on protein structure and function yielded predictions that this variant is benign. Based on the available information, we are unable to determine the clinical significance of this variant.

Baylor Genetics
Classification: Uncertain significance for Endometrial carcinoma. Last evaluated: 2023-05-01. Review status: criteria provided, single submitter. Criteria: ACMG Guidelines, 2015. Collection method: clinical testing. Allele origin: unknown.

Department of Pathology and Laboratory Medicine, Sinai Health System
Classification: Uncertain significance for Lynch syndrome. Last evaluated: 2021-03-05. Review status: criteria provided, single submitter. Criteria: ACMG Guidelines, 2015. Collection method: clinical testing. Allele origin: germline. Affected: yes.

Literature cited by the submitters: PubMed 31360874 (cited by 4 submitters); PubMed 32068069 (cited by 4 submitters); PubMed 30982232 (cited by 3 submitters); PubMed 33471991 (cited by Women's Health and Genetics/Laboratory Corporation of America, LabCorp and Quest Diagnostics Nichols Institute San Juan Capistrano).

NM_000179.3(MSH6):c.263G>A (p.Cys88Tyr)

Gene: MSH6 (mutS homolog 6; plus strand). Cytogenetic location: 2p16.3.
Variant type: single nucleotide variant.
Coding change: c.263G>A on transcript NM_000179.3 (MANE Select); coding-DNA position 263, G replaced by A.
Protein change: p.Cys88Tyr; replaces cysteine 88 with tyrosine.
Molecular consequence: missense variant. On other transcripts: 5 prime UTR variant (2), intron variant (1).
Genome position (GRCh38, 1-based): chr2:47,790,929, G>A. VCF-style: chr2-47790929-G-A. GRCh37 (hg19) VCF-style: chr2-48018068-G-A.
Other names: c.-474G>A (NM_001281493.2); c.-640G>A (NM_001281494.2); c.237+7459G>A (NM_001281492.2); short protein forms C88Y.
Identifiers: ClinVar variation 410457 (VCV000410457.28), dbSNP rs1060502911, ClinGen allele CA16610881.